The following is an entry in ClinVar:

NM_012330.4(KAT6B):c.919A>T (p.Met307Leu)

Gene: KAT6B (lysine acetyltransferase 6B; plus strand). Cytogenetic location: 10q22.2.
Variant type: single nucleotide variant.
Coding change: c.919A>T on transcript NM_012330.4 (MANE Select); coding-DNA position 919, A replaced by T.
Protein change: p.Met307Leu; replaces methionine 307 with leucine.
Molecular consequence: missense variant. On other transcripts: intron variant (3).
Genome position (GRCh38, 1-based): chr10:74,970,092, A>T. VCF-style: chr10-74970092-A-T. GRCh37 (hg19) VCF-style: chr10-76729850-A-T.
Other names: c.919A>T, p.Met307Leu (NM_001370132.1, NM_001370136.1, NM_001370137.1 and 9 more transcripts); c.846+317A>T (NM_001370133.1); c.193-9132A>T (NM_001370134.1); c.192+10014A>T (NM_001370135.1); short protein forms M307L.
Identifiers: ClinVar variation 3704776 (VCV003704776.2).

ClinVar aggregate classification (germline): Uncertain significance (1 of 4 stars; one submission).

Conditions:
Genitopatellar syndrome (GTPTS). Also called: ABSENT PATELLAE, SCROTAL HYPOPLASIA, RENAL ANOMALIES, FACIAL DYSMORPHISM, AND MENTAL RETARDATION; Genitopatellar syndrome (GPS). Identifiers: Orphanet 85201, MedGen C1853566, MONDO:0011640, OMIM 606170.

Submission:

Labcorp Genetics (formerly Invitae), Labcorp
Classification: Uncertain significance for Genitopatellar syndrome. Last evaluated: 2024-10-17. Review status: criteria provided, single submitter. Criteria: Invitae Variant Classification Sherloc (09022015). Collection method: clinical testing. Allele origin: germline.
Comment: This sequence change replaces methionine, which is neutral and non-polar, with leucine, which is neutral and non-polar, at codon 307 of the KAT6B protein (p.Met307Leu). This variant is not present in population databases (gnomAD no frequency). This variant has not been reported in the literature in individuals affected with KAT6B-related conditions. Invitae Evidence Modeling of protein sequence and biophysical properties (such as structural, functional, and spatial information, amino acid conservation, physicochemical variation, residue mobility, and thermodynamic stability) has been performed for this missense variant. However, the output from this modeling did not meet the statistical confidence thresholds required to predict the impact of this variant on KAT6B protein function. In summary, the available evidence is currently insufficient to determine the role of this variant in disease. Therefore, it has been classified as a Variant of Uncertain Significance.